The following is an entry in ClinVar:

ClinVar aggregate classification (germline): Likely benign. Review status: criteria provided, multiple submitters, no conflicts (2 of 4 stars). 2 submissions from 2 submitters: Likely benign (2). Last evaluated 2024-07-19.

gnomAD v4.1: 4 of 1,478,882 alleles (0.00027%); highest among the groups gnomAD compares: African/African-American, 0.0014%; no homozygotes.

Submissions (2):

Labcorp Genetics (formerly Invitae), Labcorp
Classification: Likely benign. Last evaluated: 2024-07-19. Review status: criteria provided, single submitter. Criteria: Invitae Variant Classification Sherloc (09022015). Collection method: clinical testing. Allele origin: germline.

Women's Health and Genetics/Laboratory Corporation of America, LabCorp
Classification: Likely benign. Last evaluated: 2024-04-10. Review status: criteria provided, single submitter. Criteria: LabCorp Variant Classification Summary - May 2015. Collection method: clinical testing. Allele origin: germline.
Comment: Variant summary: POLG2 c.795+13T>C alters a non-conserved nucleotide located at a position not widely known to affect splicing. Consensus agreement among computation tools predict no significant impact on normal splicing. However, these predictions have yet to be confirmed by functional studies. The variant allele was found at a frequency of 8.1e-06 in 246884 control chromosomes. The available data on variant occurrences in the general population are insufficient to allow any conclusion about variant significance. To our knowledge, no occurrence of c.795+13T>C in individuals affected with POLG2-Related Disorder and no experimental evidence demonstrating its impact on protein function have been reported. No submitters have cited clinical-significance assessments for this variant to ClinVar. Based on the evidence outlined above, the variant was classified as likely benign.

NM_007215.4(POLG2):c.795+13T>C

Genes: MILR1 (mast cell immunoglobulin like receptor 1; plus strand), POLG2 (DNA polymerase gamma 2, accessory subunit; minus strand). Cytogenetic location: 17q23.3.
Variant type: single nucleotide variant.
Coding change: c.795+13T>C on transcript NM_007215.4 (MANE Select); 13 bases into the intron after coding-DNA position 795, T replaced by C.
Molecular consequence: intron variant.
Genome position (GRCh38, 1-based): chr17:64,492,654, A>G on the plus strand (T>C on the coding strand, the complement: POLG2 is on the minus strand). VCF-style: chr17-64492654-A-G. GRCh37 (hg19) VCF-style: chr17-62488771-A-G.
Identifiers: ClinVar variation 2777756 (VCV002777756.4), dbSNP rs1420754785, ClinGen allele CA626879186.
Genomic context (GRCh38, chr17:64,492,654, plus strand): 5'-CAGAAGAATTACCACTGACACATTAAGACAATTTATGTATTAACTATTAAATTAAAGGTA[A>G]TTATTGCAGTACCTTTCTCCACCACTGGAGTCGATGACGTAACCAGAAATCAAGCCACTG-3'